The following is an entry in ClinVar:

NM_001374259.2(IL12RB2):c.2365C>T (p.Leu789Phe)

Gene: IL12RB2 (interleukin 12 receptor subunit beta 2; plus strand). Cytogenetic location: 1p31.3.
Variant type: single nucleotide variant.
Coding change: c.2365C>T on transcript NM_001374259.2 (MANE Select); coding-DNA position 2365, C replaced by T.
Protein change: p.Leu789Phe; replaces leucine 789 with phenylalanine.
Molecular consequence: missense variant. On other transcripts: 3 prime UTR variant (3), non-coding transcript variant (2).
Genome position (GRCh38, 1-based): chr1:67,395,865, C>T. VCF-style: chr1-67395865-C-T. GRCh37 (hg19) VCF-style: chr1-67861548-C-T.
Other names: c.*285C>T (NM_001258214.1, NM_001319233.1); c.2107C>T, p.Leu703Phe (NM_001258215.1); c.*266C>T (NM_001258216.1); c.2365C>T, p.Leu789Phe (NM_001559.3); short protein forms L703F, L789F.
Identifiers: ClinVar variation 2100575 (VCV002100575.4), dbSNP rs1666322236, ClinGen allele CA340735447.

ClinVar aggregate classification (germline): Uncertain significance (1 of 4 stars; one submission).

gnomAD v4.1: 7 of 1,608,778 alleles (0.00044%); highest among the groups gnomAD compares: Non-Finnish European, 0.00051%; no homozygotes.

Submission:

Labcorp Genetics (formerly Invitae), Labcorp
Classification: Uncertain significance. Last evaluated: 2025-02-17. Review status: criteria provided, single submitter. Criteria: Invitae Variant Classification Sherloc (09022015). Collection method: clinical testing. Allele origin: germline.
Comment: This sequence change replaces leucine, which is neutral and non-polar, with phenylalanine, which is neutral and non-polar, at codon 789 of the IL12RB2 protein (p.Leu789Phe). This variant is not present in population databases (gnomAD no frequency). This variant has not been reported in the literature in individuals affected with IL12RB2-related conditions. ClinVar contains an entry for this variant (Variation ID: 2100575). An algorithm developed to predict the effect of missense changes on protein structure and function outputs the following: PolyPhen-2: "Benign". The phenylalanine amino acid residue is found in multiple mammalian species, which suggests that this missense change does not adversely affect protein function. In summary, the available evidence is currently insufficient to determine the role of this variant in disease. Therefore, it has been classified as a Variant of Uncertain Significance.